The following is an entry in ClinVar:

ClinVar aggregate classification (germline): Uncertain significance (1 of 4 stars; one submission).

Conditions:
Hereditary cancer-predisposing syndrome. Also called: Tumor predisposition; Neoplastic Syndromes, Hereditary; Hereditary neoplastic syndrome; Hereditary Cancer Syndrome. Identifiers: Orphanet 140162, MedGen C0027672, MeSH D009386, MONDO:0015356.

Submission:

Ambry Genetics
Classification: Uncertain significance for Hereditary cancer-predisposing syndrome. Last evaluated: 2024-07-27. Review status: criteria provided, single submitter. Criteria: Ambry Variant Classification Scheme 2023. Collection method: clinical testing. Allele origin: germline.
Comment: The p.Q570R variant (also known as c.1709A>G), located in coding exon 9 of the SMARCA4 gene, results from an A to G substitution at nucleotide position 1709. The glutamine at codon 570 is replaced by arginine, an amino acid with highly similar properties. This amino acid position is conserved. In addition, this alteration is predicted to be tolerated by in silico analysis. Based on the available evidence, the clinical significance of this variant remains unclear.

NM_003072.5(SMARCA4):c.1709A>G (p.Gln570Arg)

Gene: SMARCA4 (SWI/SNF related BAF chromatin remodeling complex subunit ATPase 4; plus strand). Cytogenetic location: 19p13.2.
Variant type: single nucleotide variant.
Coding change: c.1709A>G on transcript NM_003072.5 (MANE Select); coding-DNA position 1709, A replaced by G.
Protein change: p.Gln570Arg; replaces glutamine 570 with arginine.
Molecular consequence: missense variant. On other transcripts: non-coding transcript variant (1).
Genome position (GRCh38, 1-based): chr19:10,996,328, A>G. VCF-style: chr19-10996328-A-G. GRCh37 (hg19) VCF-style: chr19-11107004-A-G.
Other names: c.1709A>G, p.Gln570Arg (NM_001128844.3, NM_001128845.2, NM_001128846.2 and 6 more transcripts); short protein forms Q570R.
Identifiers: ClinVar variation 3445981 (VCV003445981.1).
Genomic context (GRCh38, chr19:10,996,328, plus strand): 5'-TGGCCTACCTCTTGCAGCAGACAGACGAGTACGTGGCTAACCTCACGGAGCTGGTGCGGC[A>G]GCACAAGGCTGCCCAGGTCGCCAAGGAGAAAAAGAAGAAAAAGAAAAAGAAGGTGTGCTG-3'
Protein context (NP_003063.2, residues 560-580): YVANLTELVR[Gln570Arg]HKAAQVAKEK